The following is an entry in ClinVar:

NM_001384732.1(CPLANE1):c.7524G>A (p.Lys2508=)

Gene: CPLANE1 (ciliogenesis and planar polarity effector complex subunit 1; minus strand). Cytogenetic location: 5p13.2.
Variant type: single nucleotide variant.
Coding change: c.7524G>A on transcript NM_001384732.1 (MANE Select); coding-DNA position 7524, G replaced by A.
Protein change: p.Lys2508=; no amino-acid change (lysine 2508 retained).
Molecular consequence: synonymous variant.
Genome position (GRCh38, 1-based): chr5:37,165,548, C>T on the plus strand (G>A on the coding strand, the complement: CPLANE1 is on the minus strand). VCF-style: chr5-37165548-C-T. GRCh37 (hg19) VCF-style: chr5-37165650-C-T.
Other names: c.7524G>A, p.Lys2508= (NM_023073.4).
Identifiers: ClinVar variation 5041349 (VCV005041349.1).

ClinVar aggregate classification (germline): Likely benign (1 of 4 stars; one submission).

gnomAD v4.1: 5 of 1,608,190 alleles (0.00031%); highest among the groups gnomAD compares: Non-Finnish European, 0.00025%; no homozygotes.

Submission:

CeGaT Center for Human Genetics Tuebingen
Classification: Likely benign. Last evaluated: 2026-09-01. Review status: criteria provided, single submitter. Criteria: CeGaT Center For Human Genetics Tuebingen Variant Classification Criteria Version 2. Collection method: clinical testing. Allele origin: germline. Affected: yes. Observed: 1 variant allele.
Comment: CPLANE1: BP4, BP7